The following is an entry in ClinVar:

ClinVar aggregate classification (germline): Uncertain significance (1 of 4 stars; one submission).

Conditions:
Dentinogenesis imperfecta type 2 (DGI1). Also called: Hereditary Opalescent Dentin; OPALESCENT DENTIN; OPALESCENT TEETH WITHOUT OSTEOGENESIS IMPERFECTA; Dentinogenesis imperfecta without osteogenesis imperfecta; CAPDEPONT TEETH; Dentinogenesis imperfecta - Shield's type II. Identifiers: Orphanet 166260, MedGen C2973527, MONDO:0007441, OMIM 125490. Disease mechanism: loss of function.

Submission:

Centre for Mendelian Genomics, University Medical Centre Ljubljana
Classification: Uncertain significance for Dentinogenesis imperfecta type 2. Last evaluated: 2020-03-23. Review status: criteria provided, single submitter. Criteria: ACMG Guidelines, 2015. Collection method: clinical testing. Allele origin: unknown. Affected: yes.
Comment: This variant was classified as: Uncertain significance. The available evidence on this variant's pathogenicity is insufficient or conflicting. The following ACMG criteria were applied in classifying this variant: PM2. This variant was detected in homozygous state.

NM_014208.3(DSPP):c.3003C>G (p.Ser1001Arg)

Genes: DMP1-AS1 (DMP1 and DSPP antisense RNA 1; minus strand), DSPP (dentin sialophosphoprotein; plus strand). Cytogenetic location: 4q22.1.
Variant type: single nucleotide variant.
Coding change: c.3003C>G on transcript NM_014208.3 (MANE Select); coding-DNA position 3003, C replaced by G.
Protein change: p.Ser1001Arg; replaces serine 1001 with arginine.
Molecular consequence: missense variant.
Genome position (GRCh38, 1-based): chr4:87,615,665, C>G. VCF-style: chr4-87615665-C-G. GRCh37 (hg19) VCF-style: chr4-88536817-C-G.
Other names: short protein forms S1001R.
Identifiers: ClinVar variation 930250 (VCV000930250.3), dbSNP rs535605955, ClinGen allele CA357611265.